The following is an entry in ClinVar:

ClinVar aggregate classification (germline): Uncertain significance. Review status: criteria provided, multiple submitters, no conflicts (2 of 4 stars). 3 submissions from 3 submitters: Uncertain significance (3). Last evaluated 2023-01-27.

Conditions:
Inborn genetic diseases. Identifiers: MedGen C0950123, MeSH D030342.
Developmental and epileptic encephalopathy. Identifiers: MedGen C5779964, MONDO:0100620.

Allele frequency attached by ClinVar (database versions not stated): TOPMed 0.00002.
gnomAD v4.1: 19 of 1,614,048 alleles (0.0012%); highest among the groups gnomAD compares: African/African-American, 0.0027%; no homozygotes.

Submissions (3):

Blueprint Genetics
Classification: Uncertain significance. Last evaluated: 2023-01-27. Review status: criteria provided, single submitter. Criteria: ACMG Guidelines, 2015. Collection method: clinical testing. Allele origin: germline.

Labcorp Genetics (formerly Invitae), Labcorp
Classification: Uncertain significance for Early-infantile DEE. Last evaluated: 2022-07-19. Review status: criteria provided, single submitter. Criteria: Invitae Variant Classification Sherloc (09022015). Collection method: clinical testing. Allele origin: germline.
Comment: This sequence change replaces arginine, which is basic and polar, with cysteine, which is neutral and slightly polar, at codon 115 of the ST3GAL3 protein (p.Arg115Cys). This variant is not present in population databases (gnomAD no frequency). This variant has not been reported in the literature in individuals affected with ST3GAL3-related conditions. ClinVar contains an entry for this variant (Variation ID: 998398). Algorithms developed to predict the effect of missense changes on protein structure and function are either unavailable or do not agree on the potential impact of this missense change (SIFT: "Deleterious"; PolyPhen-2: "Possibly Damaging"; Align-GVGD: "Class C0"). In summary, the available evidence is currently insufficient to determine the role of this variant in disease. Therefore, it has been classified as a Variant of Uncertain Significance.

Ambry Genetics
Classification: Uncertain significance for Inborn genetic diseases. Last evaluated: 2021-12-14. Review status: criteria provided, single submitter. Criteria: Ambry Variant Classification Scheme 2023. Collection method: clinical testing. Allele origin: germline.

NM_006279.5(ST3GAL3):c.343C>T (p.Arg115Cys)

Gene: ST3GAL3 (ST3 beta-galactoside alpha-2,3-sialyltransferase 3; plus strand). Cytogenetic location: 1p34.1.
Variant type: single nucleotide variant.
Coding change: c.343C>T on transcript NM_006279.5 (MANE Select); coding-DNA position 343, C replaced by T.
Protein change: p.Arg115Cys; replaces arginine 115 with cysteine.
Molecular consequence: missense variant. On other transcripts: non-coding transcript variant (8), intron variant (1).
Genome position (GRCh38, 1-based): chr1:43,894,423, C>T. VCF-style: chr1-43894423-C-T. GRCh37 (hg19) VCF-style: chr1-44360095-C-T.
Other names: c.343C>T, p.Arg115Cys (NM_001270459.2, NM_001350620.2, NM_174966.4 and 1 more transcripts); c.250C>T, p.Arg84Cys (NM_001270460.2); c.295C>T, p.Arg99Cys (NM_001270461.3, NM_001270464.3, NM_174969.4 and 1 more transcripts); c.202C>T, p.Arg68Cys (NM_001270462.3); c.340C>T, p.Arg114Cys (NM_001270463.3, NM_001270465.3); c.388C>T, p.Arg130Cys (NM_001350619.2, NM_174964.4, NM_174965.4); c.64C>T, p.Arg22Cys (NM_001350621.2); c.505C>T, p.Arg169Cys (NM_001363573.2, NM_174968.5); and 3 more; short protein forms R114C, R115C, R130C, R153C, R169C, R184C, R22C, R68C.
Identifiers: ClinVar variation 998398 (VCV000998398.7), dbSNP rs948699026, ClinGen allele CA21595585.